The following is an entry in ClinVar:

NM_002900.3(RBP3):c.2270T>G (p.Val757Gly)

Gene: RBP3 (retinol binding protein 3; plus strand). Cytogenetic location: 10q11.22.
Variant type: single nucleotide variant.
Coding change: c.2270T>G on transcript NM_002900.3 (MANE Select); coding-DNA position 2270, T replaced by G.
Protein change: p.Val757Gly; replaces valine 757 with glycine.
Molecular consequence: missense variant.
Genome position (GRCh38, 1-based): chr10:47,350,754, T>G. VCF-style: chr10-47350754-T-G. GRCh37 (hg19) VCF-style: chr10-48388608-A-C.
Other names: short protein forms V757G.
Identifiers: ClinVar variation 299967 (VCV000299967.14), dbSNP rs17853945, ClinGen allele CA5487321.

ClinVar aggregate classification (germline): Uncertain significance. Review status: criteria provided, multiple submitters, no conflicts (2 of 4 stars). 3 submissions from 3 submitters: Uncertain significance (3). Last evaluated 2024-10-04.

Conditions:
Retinitis pigmentosa (RP). Identifiers: Orphanet 791, MedGen C0035334, MeSH D012174, MONDO:0019200, OMIM 268000. Inheritance: Autosomal dominant, autosomal recessive and X linked inheritance.

Allele frequency attached by ClinVar (database versions not stated): TOPMed 0.00004; ExAC 0.00001; gnomAD exomes 0.00002; gnomAD 0.00003 and 0.00004.

Submissions (3):

Blueprint Genetics
Classification: Uncertain significance. Last evaluated: 2024-10-04. Review status: criteria provided, single submitter. Criteria: ACMG Guidelines, 2015. Collection method: clinical testing. Allele origin: germline.

Labcorp Genetics (formerly Invitae), Labcorp
Classification: Uncertain significance. Last evaluated: 2022-10-13. Review status: criteria provided, single submitter. Criteria: Invitae Variant Classification Sherloc (09022015). Collection method: clinical testing. Allele origin: germline.
Comment: In summary, the available evidence is currently insufficient to determine the role of this variant in disease. Therefore, it has been classified as a Variant of Uncertain Significance. This sequence change replaces valine, which is neutral and non-polar, with glycine, which is neutral and non-polar, at codon 757 of the RBP3 protein (p.Val757Gly). This variant is present in population databases (rs17853945, gnomAD 0.004%). This variant has not been reported in the literature in individuals affected with RBP3-related conditions. ClinVar contains an entry for this variant (Variation ID: 299967). Algorithms developed to predict the effect of missense changes on protein structure and function are either unavailable or do not agree on the potential impact of this missense change (SIFT: "Deleterious"; PolyPhen-2: "Possibly Damaging"; Align-GVGD: "Class C0").

Illumina Laboratory Services, Illumina
Classification: Uncertain significance for Retinitis pigmentosa. Last evaluated: 2018-01-12. Review status: criteria provided, single submitter. Criteria: ICSL Variant Classification Criteria 13 December 2019. Collection method: clinical testing. Allele origin: germline.